The following is an entry in ClinVar:

ClinVar aggregate classification (germline): Uncertain significance (1 of 4 stars; one submission).

Submission:

CeGaT Center for Human Genetics Tuebingen
Classification: Uncertain significance. Last evaluated: 2024-05-01. Review status: criteria provided, single submitter. Criteria: CeGaT Center For Human Genetics Tuebingen Variant Classification Criteria Version 2. Collection method: clinical testing. Allele origin: germline. Affected: yes. Observed: 1 variant allele.
Comment: RP1L1: PM4, PM2:Supporting

NM_178857.6(RP1L1):c.6404_6499del (p.Pro2135_Ala2166del)

Gene: RP1L1 (RP1 like 1). Cytogenetic location: 8p23.1.
Variant type: Deletion.
Coding change: c.6404_6499del on transcript NM_178857.6 (MANE Select); coding-DNA positions 6404 to 6499, 96 bases deleted.
Protein change: p.Pro2135_Ala2166del.
Molecular consequence: inframe deletion.
Genome position: GRCh38: chr8:10,607,639-10,607,734. GRCh37 (hg19): chr8:10,465,149-10,465,244.
Identifiers: ClinVar variation 3239182 (VCV003239182.19), dbSNP rs1797729761.